The following is an entry in ClinVar:

NM_004557.4(NOTCH4):c.2400G>A (p.Pro800=)

Gene: NOTCH4 (notch receptor 4; minus strand). Cytogenetic location: 6p21.32.
Variant type: single nucleotide variant.
Coding change: c.2400G>A on transcript NM_004557.4 (MANE Select); coding-DNA position 2400, G replaced by A.
Protein change: p.Pro800=; no amino-acid change (proline 800 retained).
Molecular consequence: synonymous variant. On other transcripts: non-coding transcript variant (2).
Genome position (GRCh38, 1-based): chr6:32,213,173, C>T on the plus strand (G>A on the coding strand, the complement: NOTCH4 is on the minus strand). VCF-style: chr6-32213173-C-T. GRCh37 (hg19) VCF-style: chr6-32180950-C-T.
Identifiers: ClinVar variation 3257660 (VCV003257660.17).

ClinVar aggregate classification (germline): Likely benign (1 of 4 stars; one submission).

gnomAD v4.1: 2,116 of 1,613,932 alleles (0.13%); highest among the groups gnomAD compares: Admixed American, 0.53%; 10 homozygotes.

Submission:

CeGaT Center for Human Genetics Tuebingen
Classification: Likely benign. Last evaluated: 2024-07-01. Review status: criteria provided, single submitter. Criteria: CeGaT Center For Human Genetics Tuebingen Variant Classification Criteria Version 2. Collection method: clinical testing. Allele origin: germline. Affected: yes. Observed: 1 variant allele.
Comment: NOTCH4: BP4, BP7